The following is an entry in ClinVar:

ClinVar aggregate classification (germline): Pathogenic (1 of 4 stars; one submission).

Submission:

Labcorp Genetics (formerly Invitae), Labcorp
Classification: Pathogenic. Last evaluated: 2023-01-23. Review status: criteria provided, single submitter. Criteria: Invitae Variant Classification Sherloc (09022015). Collection method: clinical testing. Allele origin: germline.
Comment: For these reasons, this variant has been classified as Pathogenic. This variant disrupts a region of the SRCAP protein in which other variant(s) (p.Gln3043Alafs*9) have been determined to be pathogenic (PMID: 33909990). This suggests that this is a clinically significant region of the protein, and that variants that disrupt it are likely to be disease-causing. This variant has not been reported in the literature in individuals affected with SRCAP-related conditions. This variant is not present in population databases (gnomAD no frequency). This sequence change creates a premature translational stop signal (p.Val2757Glyfs*26) in the SRCAP gene. While this is not anticipated to result in nonsense mediated decay, it is expected to disrupt the last 474 amino acid(s) of the SRCAP protein.

Literature cited by the submitters: PubMed 33909990.

NM_006662.3(SRCAP):c.8270_8271del (p.Val2757fs)

Gene: SRCAP (Snf2 related CREBBP activator protein; plus strand). Cytogenetic location: 16p11.2.
Variant type: Microsatellite.
Coding change: c.8270_8271del on transcript NM_006662.3 (MANE Select); coding-DNA positions 8270 to 8271, 2 bases deleted (TG; older notation c.8270_8271delTG).
Protein change: p.Val2757fs; shifts the reading frame from valine 2757.
Molecular consequence: frameshift variant.
Genome position (GRCh38, 1-based): chr16:30,738,310-30,738,311, TG deleted; deleting any 2 consecutive bases within chr16:30,738,308-30,738,311 gives the same sequence; the c. name uses the placement nearest the transcript's 3' end. VCF-style (leftmost placement, unchanged base first): chr16-30738307-CTG-C. GRCh37 (hg19) VCF-style: chr16-30749628-CTG-C.
Other names: short protein forms V2757fs.
Identifiers: ClinVar variation 2831337 (VCV002831337.3), dbSNP rs2506731130, ClinGen allele CA2739266760.